The following is an entry in ClinVar:

ClinVar aggregate classification (germline): Pathogenic/Likely pathogenic. Review status: criteria provided, multiple submitters, no conflicts (2 of 4 stars). 7 submissions from 7 submitters: Pathogenic (1); Likely pathogenic (5). 1 of the submissions does not count toward it. Last evaluated 2025-09-18.

Conditions:
Maple syrup urine disease (MSUD). Identifiers: Orphanet 511, MedGen C0024776, MeSH D008375, MONDO:0009563. Disease mechanism: loss of function.
Maple syrup urine disease type 1A (MSUD1A). Also called: MSUD type 1A. Identifiers: MedGen C1855369, MONDO:0023691, OMIM 248600.

Allele frequency attached by ClinVar (database versions not stated): gnomAD exomes below 0.00001; ExAC 0.00001.

Submissions (7):

Labcorp Genetics (formerly Invitae), Labcorp
Classification: Pathogenic for Maple syrup urine disease. Last evaluated: 2025-09-18. Review status: criteria provided, single submitter. Criteria: Invitae Variant Classification Sherloc (09022015). Collection method: clinical testing. Allele origin: germline.
Comment: This variant, c.1280_1282del, is a complex sequence change that results in the deletion of 2 and insertion of 1 amino acid(s) in the BCKDHA protein (p.Leu427_Ala428delinsPro). This variant is present in population databases (rs755691417, gnomAD 0.006%). This variant has been observed in individual(s) with maple syrup urine disease (PMID: 21844576, 31980395; internal data). In at least one individual the data is consistent with being in trans (on the opposite chromosome) from a pathogenic variant. ClinVar contains an entry for this variant (Variation ID: 557742). For these reasons, this variant has been classified as Pathogenic.

Natera, Inc.
Classification: Likely pathogenic for Maple syrup urine disease type 1A. Last evaluated: 2025-08-25. Review status: criteria provided, single submitter. Criteria: Natera Variant Classification Schema (03/2026). Collection method: clinical testing. Allele origin: germline.
Comment: The c.1280_1282del variant in BCKDHA is an in-frame deletion. This variant is rare in the general population with a frequency below the threshold expected for the associated phenotype(s). This variant has been observed in one or more individuals affected with the associated recessive disease, as either homozygous or compound heterozygous with a second variant (PMID: 31775088, 37421976). This variant has been identified in one or more affected individual with a phenotype highly consistent with the associated gene (PMID: 31775088). This variant results in a change to the protein length while preserving reading frame, which may disrupt normal protein structure or function. Computational prediction algorithms indicate this variant is likely to affect gene or protein function. Given the available evidence, this variant is classified as Likely Pathogenic.

Myriad Genetics, Inc.
Classification: Likely pathogenic for Maple syrup urine disease type 1A. Last evaluated: 2025-06-06. Review status: criteria provided, single submitter. Criteria: Myriad Autosomal Dominant, Autosomal Recessive and X-Linked Classification Criteria (2023). Collection method: clinical testing. Allele origin: unknown.
Comment: NM_000709.3(BCKDHA):c.1280_1282delTGG(L427_A428delinsP) is an in-frame deletion classified as likely pathogenic in the context of maple syrup urine disease type Ia. L427_A428delinsP has been observed in cases with relevant disease (PMID: 31775088, 21844576, 31980395, 37421976, and Vu_20212_(Abstract)). Relevant functional assessments of this variant are not available in the literature. L427_A428delinsP has been observed in referenced population frequency databases. In summary, NM_000709.3(BCKDHA):c.1280_1282delTGG(L427_A428delinsP) is an in-frame deletion that has been observed more frequently in cases with the relevant disease than in healthy populations. Please note: this variant was assessed in the context of healthy population screening.

Fulgent Genetics
Classification: Likely pathogenic for Maple syrup urine disease type 1A. Last evaluated: 2024-06-20. Review status: criteria provided, single submitter. Criteria: ACMG Guidelines, 2015. Collection method: clinical testing. Allele origin: germline.

Baylor Genetics
Classification: Likely pathogenic for Maple syrup urine disease type 1A. Last evaluated: 2023-12-10. Review status: criteria provided, single submitter. Criteria: ACMG Guidelines, 2015. Collection method: clinical testing. Allele origin: unknown.

Genome-Nilou Lab
Classification: Likely pathogenic for Maple syrup urine disease type 1A. Last evaluated: 2021-11-07. Review status: criteria provided, single submitter. Criteria: ACMG Guidelines, 2015. Collection method: clinical testing. Allele origin: germline. Affected: no.

Counsyl
Classification: Uncertain significance for Maple syrup urine disease type 1A. Last evaluated: 2018-04-11. Review status: no assertion criteria provided. Collection method: clinical testing. Allele origin: unknown. Not counted in ClinVar's aggregate classification.

Literature cited by the submitters: PubMed 21844576 (cited by Labcorp Genetics (formerly Invitae), Labcorp and Counsyl); PubMed 31980395 (cited by Labcorp Genetics (formerly Invitae), Labcorp); PubMed 31775088 (cited by Natera, Inc.); PubMed 37421976 (cited by Natera, Inc.).

NM_000709.4(BCKDHA):c.1280_1282del (p.Leu427_Ala428delinsPro)

Gene: BCKDHA (branched chain keto acid dehydrogenase E1 subunit alpha; plus strand). Cytogenetic location: 19q13.2.
Variant type: Deletion.
Coding change: c.1280_1282del on transcript NM_000709.4 (MANE Select); coding-DNA positions 1280 to 1282, 3 bases deleted (TGG; older notation c.1280_1282delTGG).
Protein change: p.Leu427_Ala428delinsPro.
Molecular consequence: inframe indel.
Genome position (GRCh38, 1-based): chr19:41,424,550-41,424,552, TGG deleted. VCF-style (leftmost placement, unchanged base first): chr19-41424549-CTGG-C. GRCh37 (hg19) VCF-style: chr19-41930454-CTGG-C.
Other names: c.1277_1279del, p.Leu426_Ala427delinsPro (NM_001164783.2); c.1280_1282del (NM_000709.3).
Identifiers: ClinVar variation 557742 (VCV000557742.20), dbSNP rs755691417, ClinGen allele CA9461420.